The following is an entry in ClinVar:

ClinVar aggregate classification (germline): Uncertain significance (1 of 4 stars; one submission).

Conditions:
Familial sleep-related hypermotor epilepsy. Also called: Autosomal Dominant Sleep-Related Hypermotor (Hyperkinetic) Epilepsy. Identifiers: Orphanet 98784, MedGen C3696898, MONDO:0000030.

gnomAD v4.1: 3 of 1,614,074 alleles (0.00019%); highest among the groups gnomAD compares: Non-Finnish European, 0.00025%; no homozygotes.

Submission:

Labcorp Genetics (formerly Invitae), Labcorp
Classification: Uncertain significance. Last evaluated: 2025-09-03. Review status: criteria provided, single submitter. Criteria: Invitae Variant Classification Sherloc (09022015). Collection method: clinical testing. Allele origin: germline.
Comment: This sequence change replaces aspartic acid, which is acidic and polar, with glutamic acid, which is acidic and polar, at codon 60 of the CHRNA2 protein (p.Asp60Glu). This variant is present in population databases (no rsID available, gnomAD 0.002%). This variant has not been reported in the literature in individuals affected with CHRNA2-related conditions. Invitae Evidence Modeling of protein sequence and biophysical properties (such as structural, functional, and spatial information, amino acid conservation, physicochemical variation, residue mobility, and thermodynamic stability) indicates that this missense variant is not expected to disrupt CHRNA2 protein function with a negative predictive value of 80%. In summary, the available evidence is currently insufficient to determine the role of this variant in disease. Therefore, it has been classified as a Variant of Uncertain Significance.

NM_000742.4(CHRNA2):c.180C>A (p.Asp60Glu)

Gene: CHRNA2 (cholinergic receptor nicotinic alpha 2 subunit; minus strand). Cytogenetic location: 8p21.2.
Variant type: single nucleotide variant.
Coding change: c.180C>A on transcript NM_000742.4 (MANE Select); coding-DNA position 180, C replaced by A.
Protein change: p.Asp60Glu; replaces aspartic acid 60 with glutamic acid.
Molecular consequence: missense variant. On other transcripts: 5 prime UTR variant (4).
Genome position (GRCh38, 1-based): chr8:27,469,875, G>T on the plus strand (C>A on the coding strand, the complement: CHRNA2 is on the minus strand). VCF-style: chr8-27469875-G-T. GRCh37 (hg19) VCF-style: chr8-27327392-G-T.
Other names: c.180C>A, p.Asp60Glu (NM_001282455.2); c.-248C>A (NM_001347705.2); c.-293C>A (NM_001347706.2); c.-234C>A (NM_001347707.2); c.-282C>A (NM_001347708.2); short protein forms D60E.
Identifiers: ClinVar variation 4738102 (VCV004738102.1).